The following is an entry in ClinVar:

ClinVar aggregate classification (germline): Likely pathogenic (1 of 4 stars; one submission).

Submission:

CeGaT Center for Human Genetics Tuebingen
Classification: Likely pathogenic. Last evaluated: 2026-05-01. Review status: criteria provided, single submitter. Criteria: CeGaT Center For Human Genetics Tuebingen Variant Classification Criteria Version 2. Collection method: clinical testing. Allele origin: germline. Affected: yes. Observed: 1 variant allele.
Comment: ATP7B: PM2, PM3, PP4:Moderate, PM1:Supporting, BP4

NM_000053.4(ATP7B):c.2260G>A (p.Glu754Lys)

Gene: ATP7B (ATPase copper transporting beta; minus strand). Cytogenetic location: 13q14.3.
Variant type: single nucleotide variant.
Coding change: c.2260G>A on transcript NM_000053.4 (MANE Select); coding-DNA position 2260, G replaced by A.
Protein change: p.Glu754Lys; replaces glutamic acid 754 with lysine.
Molecular consequence: missense variant. On other transcripts: intron variant (20).
Genome position (GRCh38, 1-based): chr13:51,958,406, C>T on the plus strand (G>A on the coding strand, the complement: ATP7B is on the minus strand). VCF-style: chr13-51958406-C-T. GRCh37 (hg19) VCF-style: chr13-52532542-C-T.
Other names: c.2164G>A, p.Glu722Lys (NM_001406518.1, NM_001406517.1); c.2260G>A, p.Glu754Lys (NM_001406519.1, NM_001406523.1, NM_001406525.1 and 7 more transcripts); c.2008G>A, p.Glu670Lys (NM_001406531.1, NM_001406532.1, NM_001406540.1 and 1 more transcripts); c.1831G>A, p.Glu611Lys (NM_001406539.1); c.1912G>A, p.Glu638Lys (NM_001406543.1); c.1870-799G>A (NM_001406541.1, NM_001005918.3, NM_001406546.1 and 1 more transcripts); c.2122-799G>A (NM_001406527.1, NM_001406528.1, NM_001406534.1 and 2 more transcripts); c.2122-6G>A (NM_001406537.1, NM_001406521.1, NM_001406522.1 and 1 more transcripts); and 8 more; short protein forms E611K, E638K, E643K, E670K, E722K, E743K, E754K.
Identifiers: ClinVar variation 4873956 (VCV004873956.2).